The following is an entry in ClinVar:

NM_031935.3(HMCN1):c.11264G>A (p.Gly3755Glu)

Gene: HMCN1 (hemicentin 1; plus strand). Cytogenetic location: 1q31.1.
Variant type: single nucleotide variant.
Coding change: c.11264G>A on transcript NM_031935.3 (MANE Select); coding-DNA position 11264, G replaced by A.
Protein change: p.Gly3755Glu; replaces glycine 3755 with glutamic acid.
Molecular consequence: missense variant.
Genome position (GRCh38, 1-based): chr1:186,114,111, G>A. VCF-style: chr1-186114111-G-A. GRCh37 (hg19) VCF-style: chr1-186083243-G-A.
Other names: short protein forms G3755E.
Identifiers: ClinVar variation 2115232 (VCV002115232.4), dbSNP rs2528001470, ClinGen allele CA343942087.
Genomic context (GRCh38, chr1:186,114,111, plus strand): 5'-TCGCTGAAGGTGTGCCAACTCCAAGGATAACATGGAGAAAGGATGGAGCTGTTCTAGCTG[G>A]GAATCATGCAAGGTAACCATACTGGAAAATTAAAAAATGCTATAAGACCTGAAATACAAA-3'
Protein context (NP_114141.2, residues 3745-3765): TWRKDGAVLA[Gly3755Glu]NHARYSILEN

ClinVar aggregate classification (germline): Uncertain significance (1 of 4 stars; one submission).

Allele frequency attached by ClinVar (database versions not stated): gnomAD exomes below 0.00001.
gnomAD v4.1: 1 of 1,613,952 alleles (0.000062%); highest among the groups gnomAD compares: Non-Finnish European, 0.000085%; no homozygotes.

Submission:

Labcorp Genetics (formerly Invitae), Labcorp
Classification: Uncertain significance. Last evaluated: 2024-04-16. Review status: criteria provided, single submitter. Criteria: Invitae Variant Classification Sherloc (09022015). Collection method: clinical testing. Allele origin: germline.
Comment: This sequence change replaces glycine, which is neutral and non-polar, with glutamic acid, which is acidic and polar, at codon 3755 of the HMCN1 protein (p.Gly3755Glu). This variant is not present in population databases (gnomAD no frequency). This variant has not been reported in the literature in individuals affected with HMCN1-related conditions. ClinVar contains an entry for this variant (Variation ID: 2115232). Algorithms developed to predict the effect of missense changes on protein structure and function output the following: SIFT: "Not Available"; PolyPhen-2: "Benign"; Align-GVGD: "Not Available". The glutamic acid amino acid residue is found in multiple mammalian species, which suggests that this missense change does not adversely affect protein function. In summary, the available evidence is currently insufficient to determine the role of this variant in disease. Therefore, it has been classified as a Variant of Uncertain Significance.